The following is an entry in ClinVar:

ClinVar aggregate classification (germline): Uncertain significance (1 of 4 stars; one submission).

Conditions:
Aicardi-Goutieres syndrome 5. Identifiers: Orphanet 51, MedGen C2749659, MONDO:0013059, OMIM 612952.

Submission:

Labcorp Genetics (formerly Invitae), Labcorp
Classification: Uncertain significance for Aicardi-Goutieres syndrome 5. Last evaluated: 2022-04-15. Review status: criteria provided, single submitter. Criteria: Invitae Variant Classification Sherloc (09022015). Collection method: clinical testing. Allele origin: germline.
Comment: In summary, the available evidence is currently insufficient to determine the role of this variant in disease. Therefore, it has been classified as a Variant of Uncertain Significance. Variants that disrupt the consensus splice site are a relatively common cause of aberrant splicing (PMID: 17576681, 9536098). Algorithms developed to predict the effect of sequence changes on RNA splicing suggest that this variant may disrupt the consensus splice site. This variant has not been reported in the literature in individuals affected with SAMHD1-related conditions. This variant is not present in population databases (gnomAD no frequency). This sequence change falls in intron 13 of the SAMHD1 gene. It does not directly change the encoded amino acid sequence of the SAMHD1 protein. It affects a nucleotide within the consensus splice site.

Literature cited by the submitters: PubMed 17576681; PubMed 9536098.

NM_015474.4(SAMHD1):c.1503+3A>C

Gene: SAMHD1 (SAM and HD domain containing deoxynucleoside triphosphate triphosphohydrolase 1; minus strand). Cytogenetic location: 20q11.23.
Variant type: single nucleotide variant.
Coding change: c.1503+3A>C on transcript NM_015474.4 (MANE Select); 3 bases into the intron after coding-DNA position 1503, A replaced by C.
Molecular consequence: intron variant.
Genome position (GRCh38, 1-based): chr20:36,904,154, T>G on the plus strand (A>C on the coding strand, the complement: SAMHD1 is on the minus strand). VCF-style: chr20-36904154-T-G. GRCh37 (hg19) VCF-style: chr20-35532557-T-G.
Other names: c.1503+3A>C (NM_001363729.2, NM_001363733.2).
Identifiers: ClinVar variation 2126503 (VCV002126503.4), dbSNP rs2515227156, ClinGen allele CA2580098139.